The following is an entry in ClinVar:

ClinVar aggregate classification (germline): Benign/Likely benign. Review status: criteria provided, multiple submitters, no conflicts (2 of 4 stars). 2 submissions from 2 submitters: Benign (1); Likely benign (1). Last evaluated 2025-09-04.

Conditions:
Oligodontia-cancer predisposition syndrome. Also called: TOOTH AGENESIS-COLORECTAL CANCER SYNDROME. Identifiers: Orphanet 300576, MedGen C1837750, MONDO:0012075, OMIM 608615. Disease mechanism: loss of function.
Hereditary cancer-predisposing syndrome. Also called: Neoplastic Syndromes, Hereditary; Tumor predisposition; Hereditary Cancer Syndrome; Hereditary neoplastic syndrome. Identifiers: Orphanet 140162, MedGen C0027672, MeSH D009386, MONDO:0015356.

Submissions (2):

Ambry Genetics
Classification: Likely benign for Hereditary cancer-predisposing syndrome. Last evaluated: 2025-09-04. Review status: criteria provided, single submitter. Criteria: Ambry Variant Classification Scheme 2023. Collection method: clinical testing. Allele origin: germline.

Myriad Genetics, Inc.
Classification: Benign for Oligodontia-cancer predisposition syndrome. Last evaluated: 2024-07-03. Review status: criteria provided, single submitter. Criteria: Myriad Autosomal Dominant, Autosomal Recessive and X-Linked Classification Criteria (2023). Collection method: clinical testing. Allele origin: unknown.
Comment: This variant is considered benign. This variant is a silent/synonymous amino acid change and it is not expected to impact splicing.

NM_004655.4(AXIN2):c.1515T>C (p.Phe505=)

Gene: AXIN2 (axin 2; minus strand). Cytogenetic location: 17q24.1.
Variant type: single nucleotide variant.
Coding change: c.1515T>C on transcript NM_004655.4 (MANE Select); coding-DNA position 1515, T replaced by C.
Protein change: p.Phe505=; no amino-acid change (phenylalanine 505 retained).
Molecular consequence: synonymous variant.
Genome position (GRCh38, 1-based): chr17:65,537,521, A>G on the plus strand (T>C on the coding strand, the complement: AXIN2 is on the minus strand). VCF-style: chr17-65537521-A-G. GRCh37 (hg19) VCF-style: chr17-63533639-A-G.
Other names: c.1515T>C, p.Phe505= (NM_001363813.1).
Identifiers: ClinVar variation 3378974 (VCV003378974.2).